The following is an entry in ClinVar:

ClinVar aggregate classification (germline): Pathogenic. Review status: criteria provided, multiple submitters, no conflicts (2 of 4 stars). 5 submissions from 5 submitters: Pathogenic (5). Last evaluated 2026-05-17.

Conditions:
PKD1-related disorder. Also called: PKD1-related condition.
Polycystic kidney disease, adult type (PKD1). Also called: POLYCYSTIC KIDNEY DISEASE 1 WITH OR WITHOUT POLYCYSTIC LIVER DISEASE; POLYCYSTIC KIDNEY DISEASE, ADULT, TYPE I; Polycystic Kidney Disease 1, Autosomal Dominant; Polycystic kidney disease 1; Polycystic kidney disease 1, severe; Polycystic Kidney, Autosomal Dominant. Identifiers: MedGen C3149841, MONDO:0008263, OMIM 173900.

Submissions (5):

GeneDx
Classification: Pathogenic. Last evaluated: 2026-05-17. Review status: criteria provided, single submitter. Criteria: GeneDx Variant Classification Process June 2021. Collection method: clinical testing. Allele origin: germline.
Comment: Frameshift variant predicted to result in protein truncation or nonsense mediated decay in a gene for which loss of function is a known mechanism of disease; Not observed at significant frequency in large population cohorts (gnomAD); This variant is associated with the following publications: (PMID: 31740684, 11115377)

Women's Health and Genetics/Laboratory Corporation of America, LabCorp
Classification: Pathogenic for Polycystic kidney disease, adult type. Last evaluated: 2026-05-08. Review status: criteria provided, single submitter. Criteria: LabCorp Variant Classification Summary - May 2015. Collection method: clinical testing. Allele origin: germline.
Comment: Variant summary: PKD1 c.13_25del13 (p.Ala5TrpfsX64) results in a premature termination codon, predicted to cause absence of the protein due to nonsense mediated decay, which is a commonly known mechanism for disease. The variant was absent in 24444 control chromosomes. c.13_25del13 has been observed in a heterozygous state in multiple individuals affected with Polycystic Kidney Disease 1 (examples, Rossetti_2001, Kim_2019). These data indicate that the variant is very likely to be associated with disease. To our knowledge, no experimental evidence demonstrating an impact on protein function has been reported. The following publications have been ascertained in the context of this evaluation (PMID: 31740684, 11115377). ClinVar contains an entry for this variant (Variation ID: 441155). Based on the evidence outlined above, the variant was classified as pathogenic.

PreventionGenetics, part of Exact Sciences
Classification: Pathogenic for PKD1-related condition. Last evaluated: 2025-02-09. Review status: criteria provided, single submitter. Criteria: ACMG Guidelines, 2015. Collection method: clinical testing. Allele origin: germline.
Comment: The PKD1 c.13_25del13 variant is predicted to result in a frameshift and premature protein termination (p.Ala5Trpfs*64). This variant has been reported to be causative for autosomal dominant polycystic kidney disease (ADPKD) (reported as 224del13 at Rossetti et al. 2001. PubMedID: 11115377; Supplementary Table S6, Kim et al. 2019. PubMed ID: 31740684). This variant has not been reported in a large population database (gnomAD), indicating this variant is rare. Frameshift variants in PKD1 are expected to be pathogenic. This variant is interpreted as pathogenic.

Fulgent Genetics
Classification: Pathogenic for Polycystic kidney disease, adult type. Last evaluated: 2024-04-15. Review status: criteria provided, single submitter. Criteria: ACMG Guidelines, 2015. Collection method: clinical testing. Allele origin: germline.

Institute of Human Genetics, University of Leipzig Medical Center
Classification: Pathogenic for Polycystic kidney disease, adult type. Last evaluated: 2023-12-20. Review status: criteria provided, single submitter. Criteria: ACMG Guidelines, 2015. Collection method: clinical testing. Allele origin: unknown. Inheritance: Autosomal dominant inheritance. Affected: yes.
Comment: Criteria applied: PVS1,PS4_SUP,PM2_SUP

Literature cited by the submitters: PubMed 11115377 (cited by Women's Health and Genetics/Laboratory Corporation of America, LabCorp); PubMed 31740684 (cited by Women's Health and Genetics/Laboratory Corporation of America, LabCorp).

NM_001009944.3(PKD1):c.13_25del (p.Ala5fs)

Gene: PKD1 (polycystin 1, transient receptor potential channel interacting; minus strand). Cytogenetic location: 16p13.3.
Variant type: Deletion.
Coding change: c.13_25del on transcript NM_001009944.3 (MANE Select); coding-DNA positions 13 to 25, 13 bases deleted (GCGCCCGCCCGCC).
Protein change: p.Ala5fs; shifts the reading frame from alanine 5.
Molecular consequence: frameshift variant.
Genome position (GRCh38, 1-based): chr16:2,135,665-2,135,677, GGCGGGCGGGCGC deleted on the plus strand (GCGCCCGCCCGCC on the coding strand, the reverse complement: PKD1 is on the minus strand); deleting any 13 consecutive bases within chr16:2,135,665-2,135,686 gives the same sequence; the c. name uses the placement nearest the transcript's 3' end. VCF-style (leftmost placement, unchanged base first): chr16-2135664-AGGCGGGCGGGCGC-A. GRCh37 (hg19) VCF-style: chr16-2185665-AGGCGGGCGGGCGC-A.
Other names: c.13_25del, p.Ala5fs (NM_000296.4); c.13_25del13 (NM_001009944.3, NM_001009944.2); short protein forms A5fs.
Identifiers: ClinVar variation 441155 (VCV000441155.8), dbSNP rs1555462463, ClinGen allele CA658653830.
Genomic context (GRCh38, chr16:2,135,664, plus strand): 5'-CCGCGCCCGGGGCCCCCCGCCAGCGCCCCGAGCCACAGGCCCAGGCCCAGGGCCAGCGCC[AGGCGGGCGGGCGC>A]GGCGGGCGGCATCGTTAGGGCAGCGCGCGCATGGCCCCGCCGTCCCCAGGCCCGCCCGCG-3'